The following is an entry in ClinVar:

ClinVar aggregate classification (germline): Likely benign (0 of 4 stars; one submission).

Conditions:
CNTN6-related disorder. Also called: CNTN6-related condition.

Submission:

PreventionGenetics, part of Exact Sciences
Classification: Likely benign for CNTN6-related condition. Last evaluated: 2021-06-17. Review status: no assertion criteria provided. Collection method: clinical testing. Allele origin: germline.
Comment: This variant is classified as likely benign based on ACMG/AMP sequence variant interpretation guidelines (Richards et al. 2015 PMID: 25741868, with internal and published modifications).

NM_001289080.2(CNTN6):c.2607G>T (p.Leu869=)

Gene: CNTN6 (contactin 6; plus strand). Cytogenetic location: 3p26.3.
Variant type: single nucleotide variant.
Coding change: c.2607G>T on transcript NM_001289080.2 (MANE Select); coding-DNA position 2607, G replaced by T.
Protein change: p.Leu869=; no amino-acid change (leucine 869 retained).
Molecular consequence: synonymous variant.
Genome position (GRCh38, 1-based): chr3:1,385,700, G>T. VCF-style: chr3-1385700-G-T. GRCh37 (hg19) VCF-style: chr3-1427384-G-T.
Other names: c.2391G>T, p.Leu797= (NM_001289081.2); c.2607G>T, p.Leu869= (NM_001349350.2, NM_001349351.2, NM_001349352.2 and 4 more transcripts); c.2499G>T, p.Leu833= (NM_001349356.2); c.2295G>T, p.Leu765= (NM_001349357.2); c.2052G>T, p.Leu684= (NM_001349358.2); c.1485G>T, p.Leu495= (NM_001349359.2, NM_001349360.2, NM_001349361.2 and 1 more transcripts).
Identifiers: ClinVar variation 3029568 (VCV003029568.2), dbSNP rs1692780862, ClinGen allele CA432102017.